The following is an entry in ClinVar:

ClinVar aggregate classification (germline): Likely benign (1 of 4 stars; one submission).

Conditions:
TRPC5-related disorder. Also called: TRPC5-related condition.

Submission:

PreventionGenetics, part of Exact Sciences
Classification: Likely benign for TRPC5-related condition. Last evaluated: 2025-08-13. Review status: criteria provided, single submitter. Criteria: ACMG Guidelines, 2015. Collection method: clinical testing. Allele origin: germline.
Comment: This variant is classified as likely benign based on ACMG/AMP sequence variant interpretation guidelines (Richards et al. 2015 PMID: 25741868, with internal and published modifications).

NM_012471.3(TRPC5):c.1620C>T (p.Phe540=)

Gene: TRPC5 (transient receptor potential cation channel subfamily C member 5; minus strand). Cytogenetic location: Xq23.
Variant type: single nucleotide variant.
Coding change: c.1620C>T on transcript NM_012471.3 (MANE Select); coding-DNA position 1620, C replaced by T.
Protein change: p.Phe540=; no amino-acid change (phenylalanine 540 retained).
Molecular consequence: synonymous variant.
Genome position (GRCh38, 1-based): chrX:111,847,194, G>A on the plus strand (C>T on the coding strand, the complement: TRPC5 is on the minus strand). VCF-style: chrX-111847194-G-A. GRCh37 (hg19) VCF-style: chrX-111090422-G-A.
Identifiers: ClinVar variation 4989784 (VCV004989784.1).